The following is an entry in ClinVar:

NM_014283.5(SUCO):c.920G>A (p.Arg307Gln)

Gene: SUCO (SUN domain containing ossification factor; plus strand). Cytogenetic location: 1q24.3.
Variant type: single nucleotide variant.
Coding change: c.920G>A on transcript NM_014283.5 (MANE Select); coding-DNA position 920, G replaced by A.
Protein change: p.Arg307Gln; replaces arginine 307 with glutamine.
Molecular consequence: missense variant. On other transcripts: 5 prime UTR variant (1).
Genome position (GRCh38, 1-based): chr1:172,570,110, G>A. VCF-style: chr1-172570110-G-A. GRCh37 (hg19) VCF-style: chr1-172539250-G-A.
Other names: c.809G>A, p.Arg270Gln (NM_001282750.2); c.-610G>A (NM_001282751.2); c.1394G>A, p.Arg465Gln (NM_016227.4); short protein forms R307Q, R465Q, R270Q.
Identifiers: ClinVar variation 2612920 (VCV002612920.5), dbSNP rs372728522, ClinGen allele CA32716176.

ClinVar aggregate classification (germline): Uncertain significance. Review status: criteria provided, multiple submitters, no conflicts (2 of 4 stars). 2 submissions from 2 submitters: Uncertain significance (2). Last evaluated 2024-05-02.

Allele frequency attached by ClinVar (database versions not stated): TOPMed below 0.00001; gnomAD 0.00001; gnomAD exomes 0.00001; ESP Exome Variant Server 0.00008.
gnomAD v4.1: 16 of 1,595,326 alleles (0.001%); highest among the groups gnomAD compares: Non-Finnish European, 0.0014%; no homozygotes.

Submissions (2):

Labcorp Genetics (formerly Invitae), Labcorp
Classification: Uncertain significance. Last evaluated: 2024-05-02. Review status: criteria provided, single submitter. Criteria: Invitae Variant Classification Sherloc (09022015). Collection method: clinical testing. Allele origin: germline.
Comment: This sequence change replaces arginine, which is basic and polar, with glutamine, which is neutral and polar, at codon 307 of the SUCO protein (p.Arg307Gln). This variant is not present in population databases (gnomAD no frequency). This variant has not been reported in the literature in individuals affected with SUCO-related conditions. ClinVar contains an entry for this variant (Variation ID: 2612920). An algorithm developed to predict the effect of missense changes on protein structure and function (PolyPhen-2) suggests that this variant is likely to be tolerated. In summary, the available evidence is currently insufficient to determine the role of this variant in disease. Therefore, it has been classified as a Variant of Uncertain Significance.

Ambry Genetics
Classification: Uncertain significance. Last evaluated: 2023-07-19. Review status: criteria provided, single submitter. Criteria: Ambry Variant Classification Scheme 2023. Collection method: clinical testing. Allele origin: germline.